The following is an entry in ClinVar:

NM_006206.6(PDGFRA):c.1255G>T (p.Asp419Tyr)

Gene: PDGFRA (platelet derived growth factor receptor alpha; plus strand). Cytogenetic location: 4q12.
Variant type: single nucleotide variant.
Coding change: c.1255G>T on transcript NM_006206.6 (MANE Select); coding-DNA position 1255, G replaced by T.
Protein change: p.Asp419Tyr; replaces aspartic acid 419 with tyrosine.
Molecular consequence: missense variant.
Genome position (GRCh38, 1-based): chr4:54,272,411, G>T. VCF-style: chr4-54272411-G-T. GRCh37 (hg19) VCF-style: chr4-55138578-G-T.
Other names: c.1255G>T, p.Asp419Tyr (NM_001347827.2, NM_001347829.2); c.1330G>T, p.Asp444Tyr (NM_001347828.2); c.1294G>T, p.Asp432Tyr (NM_001347830.2); short protein forms D419Y, D444Y, D432Y.
Identifiers: ClinVar variation 573101 (VCV000573101.11), dbSNP rs749421720, ClinGen allele CA2922503.

ClinVar aggregate classification (germline): Conflicting classifications of pathogenicity. Review status: criteria provided, conflicting classifications (1 of 4 stars). 2 submissions from 2 submitters: Uncertain significance (1); Likely benign (1). Last evaluated 2024-12-02.

Conditions:
Hereditary cancer-predisposing syndrome. Also called: Hereditary Cancer Syndrome; Tumor predisposition; Neoplastic Syndromes, Hereditary; Hereditary neoplastic syndrome. Identifiers: Orphanet 140162, MedGen C0027672, MeSH D009386, MONDO:0015356.
Gastrointestinal stromal tumor. Also called: Gastrointestinal stromal tumor, somatic; Gastrointestinal stroma tumor. Identifiers: Orphanet 44890, MedGen C0238198, MeSH D046152, MONDO:0011719, OMIM 606764, HP:0100723.

Allele frequency attached by ClinVar (database versions not stated): ExAC 0.00001; gnomAD exomes 0.00001.
gnomAD v4.1: 5 of 1,613,928 alleles (0.00031%); highest among the groups gnomAD compares: South Asian, 0.0055%; 1 homozygote.

Submissions (2):

Labcorp Genetics (formerly Invitae), Labcorp
Classification: Uncertain significance for Gastrointestinal stromal tumor. Last evaluated: 2024-12-02. Review status: criteria provided, single submitter. Criteria: Invitae Variant Classification Sherloc (09022015). Collection method: clinical testing. Allele origin: germline.
Comment: This sequence change replaces aspartic acid, which is acidic and polar, with tyrosine, which is neutral and polar, at codon 419 of the PDGFRA protein (p.Asp419Tyr). This variant is present in population databases (rs749421720, gnomAD 0.01%). This variant has not been reported in the literature in individuals affected with PDGFRA-related conditions. ClinVar contains an entry for this variant (Variation ID: 573101). Invitae Evidence Modeling of protein sequence and biophysical properties (such as structural, functional, and spatial information, amino acid conservation, physicochemical variation, residue mobility, and thermodynamic stability) indicates that this missense variant is not expected to disrupt PDGFRA protein function with a negative predictive value of 80%. In summary, the available evidence is currently insufficient to determine the role of this variant in disease. Therefore, it has been classified as a Variant of Uncertain Significance.

Ambry Genetics
Classification: Likely benign for Hereditary cancer-predisposing syndrome. Last evaluated: 2023-05-26. Review status: criteria provided, single submitter. Criteria: Ambry Variant Classification Scheme 2023. Collection method: clinical testing. Allele origin: germline.